The following is an entry in ClinVar:

ClinVar aggregate classification (germline): Uncertain significance (1 of 4 stars; one submission).

Conditions:
Hereditary cancer-predisposing syndrome. Also called: Tumor predisposition; Neoplastic Syndromes, Hereditary; Hereditary Cancer Syndrome; Hereditary neoplastic syndrome. Identifiers: Orphanet 140162, MedGen C0027672, MeSH D009386, MONDO:0015356.

Submission:

Ambry Genetics
Classification: Uncertain significance for Hereditary cancer-predisposing syndrome. Last evaluated: 2018-07-21. Review status: criteria provided, single submitter. Criteria: Ambry Variant Classification Scheme 2023. Collection method: clinical testing. Allele origin: germline.
Comment: The p.S1947T variant (also known as c.5839T>A), located in coding exon 38 of the ATM gene, results from a T to A substitution at nucleotide position 5839. The serine at codon 1947 is replaced by threonine, an amino acid with similar properties. This amino acid position is well conserved in available vertebrate species. In addition, the in silico prediction for this alteration is inconclusive. Since supporting evidence is limited at this time, the clinical significance of this alteration remains unclear.

NM_000051.4(ATM):c.5839T>A (p.Ser1947Thr)

Genes: ATM (ATM serine/threonine kinase; plus strand), C11orf65 (chromosome 11 open reading frame 65; minus strand). Cytogenetic location: 11q22.3.
Variant type: single nucleotide variant.
Coding change: c.5839T>A on transcript NM_000051.4 (MANE Select); coding-DNA position 5839, T replaced by A.
Protein change: p.Ser1947Thr; replaces serine 1947 with threonine.
Molecular consequence: missense variant. On other transcripts: intron variant (2).
Genome position (GRCh38, 1-based): chr11:108,310,236, T>A. VCF-style: chr11-108310236-T-A. GRCh37 (hg19) VCF-style: chr11-108180963-T-A.
Other names: c.5839T>A, p.Ser1947Thr (NM_001351834.2); c.641-1165A>T (NM_001330368.2); c.*39-1165A>T (NM_001351110.2); short protein forms S1947T.
Identifiers: ClinVar variation 826001 (VCV000826001.6), dbSNP rs1591746011, ClinGen allele CA382548434.